The following is an entry in ClinVar:

NM_001083962.2(TCF4):c.701A>G (p.Asn234Ser)

Gene: TCF4 (transcription factor 4; minus strand). Cytogenetic location: 18q21.2.
Variant type: single nucleotide variant.
Coding change: c.701A>G on transcript NM_001083962.2 (MANE Select); coding-DNA position 701, A replaced by G.
Protein change: p.Asn234Ser; replaces asparagine 234 with serine.
Molecular consequence: missense variant.
Genome position (GRCh38, 1-based): chr18:55,275,707, T>C on the plus strand (A>G on the coding strand, the complement: TCF4 is on the minus strand). VCF-style: chr18-55275707-T-C. GRCh37 (hg19) VCF-style: chr18-52942938-T-C.
Other names: c.1007A>G, p.Asn336Ser (NM_001243226.3); c.629A>G, p.Asn210Ser (NM_001243227.2, NM_001306207.1, NM_001348219.2 and 9 more transcripts); c.719A>G, p.Asn240Ser (NM_001243228.2); c.695A>G, p.Asn232Ser (NM_001243230.2); c.575A>G, p.Asn192Ser (NM_001243231.2, NM_001348211.2); c.488A>G, p.Asn163Ser (NM_001243232.1, NM_001306208.1); c.311A>G, p.Asn104Ser (NM_001243233.2, NM_001330605.3, NM_001348212.2 and 1 more transcripts); c.221A>G, p.Asn74Ser (NM_001243234.2, NM_001243235.2, NM_001243236.2 and 2 more transcripts); and 4 more; short protein forms N192S, N209S, N336S, N18S, N232S, N234S, N240S, N104S.
Identifiers: ClinVar variation 1379060 (VCV001379060.8), dbSNP rs2146147095, ClinGen allele CA402701586.

ClinVar aggregate classification (germline): Uncertain significance (1 of 4 stars; one submission).

Conditions:
Pitt-Hopkins syndrome (PTHS). Also called: ENCEPHALOPATHY, SEVERE EPILEPTIC, WITH AUTONOMIC DYSFUNCTION; MENTAL RETARDATION, SYNDROMAL, WITH INTERMITTENT HYPERVENTILATION. Identifiers: Orphanet 2896, MedGen C1970431, MONDO:0012589, OMIM 610954.

Submission:

Labcorp Genetics (formerly Invitae), Labcorp
Classification: Uncertain significance for Pitt-Hopkins syndrome. Last evaluated: 2022-11-22. Review status: criteria provided, single submitter. Criteria: Invitae Variant Classification Sherloc (09022015). Collection method: clinical testing. Allele origin: germline.
Comment: In summary, the available evidence is currently insufficient to determine the role of this variant in disease. Therefore, it has been classified as a Variant of Uncertain Significance. Advanced modeling of protein sequence and biophysical properties (such as structural, functional, and spatial information, amino acid conservation, physicochemical variation, residue mobility, and thermodynamic stability) performed at Invitae indicates that this missense variant is not expected to disrupt TCF4 protein function. ClinVar contains an entry for this variant (Variation ID: 1379060). This variant has not been reported in the literature in individuals affected with TCF4-related conditions. This variant is not present in population databases (gnomAD no frequency). This sequence change replaces asparagine, which is neutral and polar, with serine, which is neutral and polar, at codon 234 of the TCF4 protein (p.Asn234Ser).